The following is an entry in ClinVar:

NM_002769.5(PRSS1):c.422T>A (p.Ile141Asn)

Genes: PRSS1 (serine protease 1; plus strand), TRB (T cell receptor beta locus; plus strand). Cytogenetic location: 7q34.
Variant type: single nucleotide variant.
Coding change: c.422T>A on transcript NM_002769.5 (MANE Select); coding-DNA position 422, T replaced by A.
Protein change: p.Ile141Asn; replaces isoleucine 141 with asparagine.
Molecular consequence: missense variant.
Genome position (GRCh38, 1-based): chr7:142,751,995, T>A. VCF-style: chr7-142751995-T-A. GRCh37 (hg19) VCF-style: chr7-142459846-T-A.
Other names: c.422T>A (NM_002769.4); short protein forms I141N.
Identifiers: ClinVar variation 1426843 (VCV001426843.10), dbSNP rs748208676, ClinGen allele CA4529963.

ClinVar aggregate classification (germline): Uncertain significance. Review status: criteria provided, multiple submitters, no conflicts (2 of 4 stars). 2 submissions from 2 submitters: Uncertain significance (2). Last evaluated 2026-07-14.

Conditions:
Hereditary pancreatitis (PCTT). Also called: Hereditary chronic pancreatitis; PRSS1-Related Hereditary Pancreatitis. Identifiers: Orphanet 676, MedGen C0238339, MONDO:0008185, OMIM 167800.

Allele frequency attached by ClinVar (database versions not stated): ExAC 0.00001; gnomAD 0.00003; TOPMed 0.00004.

Submissions (2):

Ambry Genetics
Classification: Uncertain significance for Hereditary pancreatitis. Last evaluated: 2026-07-14. Review status: criteria provided, single submitter. Criteria: Ambry Variant Classification Scheme 2023. Collection method: clinical testing. Allele origin: germline.
Comment: The c.422T>A (p.I141N) alteration is located in exon 3 (coding exon 3) of the PRSS1 gene. This alteration results from a T to A substitution at nucleotide position 422, causing the isoleucine (I) at amino acid position 141 to be replaced by an asparagine (N). Based on data from gnomAD, the A allele has an overall frequency of 0.001% (3/251440) total alleles studied. The highest observed frequency was 0.019% (3/16254) of African alleles. Based on insufficient or conflicting evidence, the clinical significance of this alteration remains unclear.

Labcorp Genetics (formerly Invitae), Labcorp
Classification: Uncertain significance for Hereditary pancreatitis. Last evaluated: 2024-10-08. Review status: criteria provided, single submitter. Criteria: Invitae Variant Classification Sherloc (09022015). Collection method: clinical testing. Allele origin: germline.
Comment: This sequence change replaces isoleucine, which is neutral and non-polar, with asparagine, which is neutral and polar, at codon 141 of the PRSS1 protein (p.Ile141Asn). The frequency data for this variant in the population databases is considered unreliable, as metrics indicate poor data quality at this position in the gnomAD database. This variant has not been reported in the literature in individuals affected with PRSS1-related conditions. ClinVar contains an entry for this variant (Variation ID: 1426843). Invitae Evidence Modeling of protein sequence and biophysical properties (such as structural, functional, and spatial information, amino acid conservation, physicochemical variation, residue mobility, and thermodynamic stability) indicates that this missense variant is expected to disrupt PRSS1 protein function with a positive predictive value of 80%. In summary, the available evidence is currently insufficient to determine the role of this variant in disease. Therefore, it has been classified as a Variant of Uncertain Significance.